The following is an entry in ClinVar:

ClinVar aggregate classification (germline): Likely benign (1 of 4 stars; one submission).

Allele frequency attached by ClinVar (database versions not stated): gnomAD exomes 0.00069; ExAC 0.00144; 1000 Genomes Project 0.00260; gnomAD 0.00264; ESP Exome Variant Server 0.00277; 1000 Genomes Project 30x 0.00297; TOPMed 0.00297.
gnomAD v4.1: 1,413 of 1,599,060 alleles (0.088%); highest among the groups gnomAD compares: African/African-American, 0.83%; 2 homozygotes.

Submission:

CeGaT Center for Human Genetics Tuebingen
Classification: Likely benign. Last evaluated: 2022-07-01. Review status: criteria provided, single submitter. Criteria: CeGaT Center For Human Genetics Tuebingen Variant Classification Criteria Version 2. Collection method: clinical testing. Allele origin: germline. Affected: yes. Observed: 1 variant allele.
Comment: CCDC138: BP4, BP7

NM_144978.3(CCDC138):c.357G>A (p.Ser119=)

Genes: CCDC138 (coiled-coil domain containing 138; plus strand), RANBP2 (RAN binding protein 2; plus strand). Cytogenetic location: 2q13.
Variant type: single nucleotide variant.
Coding change: c.357G>A on transcript NM_144978.3 (MANE Select); coding-DNA position 357, G replaced by A.
Protein change: p.Ser119=; no amino-acid change (serine 119 retained).
Molecular consequence: synonymous variant. On other transcripts: 5 prime UTR variant (2), non-coding transcript variant (4).
Genome position (GRCh38, 1-based): chr2:108,791,765, G>A. VCF-style: chr2-108791765-G-A. GRCh37 (hg19) VCF-style: chr2-109408221-G-A.
Other names: c.357G>A, p.Ser119= (NM_001303105.2, NM_001351549.2, NM_001351551.2 and 2 more transcripts); c.-592G>A (NM_001303106.2, NM_001351565.2); c.375G>A, p.Ser125= (NM_001351544.2, NM_001351553.2, NM_001351554.2); c.342G>A, p.Ser114= (NM_001351545.1, NM_001351557.1, NM_001351561.1); c.231G>A, p.Ser77= (NM_001351548.1).
Identifiers: ClinVar variation 2651256 (VCV002651256.24), dbSNP rs36034137, ClinGen allele CA1824248.
Genomic context (GRCh38, chr2:108,791,765, plus strand): 5'-TTTGAAGAAACAGGAAACAGAAGAAGAGTTAATTGAAAATGATTATAGAGTTAGTACCTC[G>A]AAAATAACCAAGCAGTCTTTTAAAGAAATAGAAAAAGGTAAAATAAATATTTTAGAACAA-3'
Protein context (NP_659415.1, residues 109-129): LIENDYRVST[Ser119=]KITKQSFKEI